The following is an entry in ClinVar:

ClinVar aggregate classification (germline): Uncertain significance (1 of 4 stars; one submission).

Allele frequency attached by ClinVar (database versions not stated): gnomAD exomes below 0.00001.
gnomAD v4.1: 1 of 1,614,010 alleles (0.000062%); highest among the groups gnomAD compares: Non-Finnish European, 0.000085%; no homozygotes.

Submission:

GeneDx
Classification: Uncertain significance. Last evaluated: 2024-01-17. Review status: criteria provided, single submitter. Criteria: GeneDx Variant Classification Process June 2021. Collection method: clinical testing. Allele origin: germline. Affected: yes.
Comment: Not observed at significant frequency in large population cohorts (gnomAD); Missense variants in this gene are a common cause of disease and they are underrepresented in the general population; In silico analysis supports that this missense variant has a deleterious effect on protein structure/function; Has not been previously published as pathogenic or benign to our knowledge; In silico analysis suggests this variant may impact gene splicing. In the absence of RNA/functional studies, the actual effect of this sequence change is unknown.

NM_152263.4(TPM3):c.244G>C (p.Ala82Pro)

Gene: TPM3 (tropomyosin 3; minus strand). Cytogenetic location: 1q21.3.
Variant type: single nucleotide variant.
Coding change: c.244G>C on transcript NM_152263.4 (MANE Select); coding-DNA position 244, G replaced by C.
Protein change: p.Ala82Pro; replaces alanine 82 with proline.
Molecular consequence: missense variant. On other transcripts: 5 prime UTR variant (1), non-coding transcript variant (1), intron variant (1).
Genome position (GRCh38, 1-based): chr1:154,176,248, C>G on the plus strand (G>C on the coding strand, the complement: TPM3 is on the minus strand). VCF-style: chr1-154176248-C-G. GRCh37 (hg19) VCF-style: chr1-154148724-C-G.
Other names: c.133G>C, p.Ala45Pro (NM_001043351.2, NM_001043352.2, NM_001043353.2 and 5 more transcripts); c.-138G>C (NM_001278191.2); c.244G>C, p.Ala82Pro (NM_001364679.2, NM_001364680.2, NM_001364681.2 and 1 more transcripts); c.69-3047G>C (NM_001278188.2); short protein forms A45P, A82P.
Identifiers: ClinVar variation 424027 (VCV000424027.3), dbSNP rs951088778, ClinGen allele CA16616981.
Genomic context (GRCh38, chr1:154,176,248, plus strand): 5'-GGTCCAGCTCTTCTTCAACCAGCTGGATCCTACGGTTCAAGGAGGCCACCTCAGCCTCAG[C>G]CTGCATTTGAAGGAAAGAATGGACAAGGGAAGCAGAGGCATGGAGAAAAGAAGAAATAAC-3'
Protein context (NP_689476.2, residues 72-92): LELAEKKAAD[Ala82Pro]EAEVASLNRR